The following is an entry in ClinVar:

ClinVar aggregate classification (germline): Pathogenic (1 of 4 stars; one submission).

Conditions:
Hereditary cancer-predisposing syndrome. Also called: Hereditary Cancer Syndrome; Neoplastic Syndromes, Hereditary; Tumor predisposition; Hereditary neoplastic syndrome. Identifiers: Orphanet 140162, MedGen C0027672, MeSH D009386, MONDO:0015356.

Submission:

Ambry Genetics
Classification: Pathogenic for Hereditary cancer-predisposing syndrome. Last evaluated: 2025-11-05. Review status: criteria provided, single submitter. Criteria: Ambry Variant Classification Scheme 2023. Collection method: clinical testing. Allele origin: germline.
Comment: The c.6775dupT pathogenic mutation, located in coding exon 45 of the ATM gene, results from a duplication of T at nucleotide position 6775, causing a translational frameshift with a predicted alternate stop codon (p.S2259Ffs*14). This variant is considered to be rare based on population cohorts in the Genome Aggregation Database (gnomAD). This alteration is expected to result in loss of function by premature protein truncation or nonsense-mediated mRNA decay. As such, this alteration is interpreted as a disease-causing mutation.

NM_000051.4(ATM):c.6775dup (p.Ser2259fs)

Genes: ATM (ATM serine/threonine kinase; plus strand), C11orf65 (chromosome 11 open reading frame 65; minus strand). Cytogenetic location: 11q22.3.
Variant type: Duplication.
Coding change: c.6775dup on transcript NM_000051.4 (MANE Select); coding-DNA position 6775, one base duplicated (T; older notation c.6775dupT).
Protein change: p.Ser2259fs; shifts the reading frame from serine 2259.
Molecular consequence: frameshift variant. On other transcripts: intron variant (2).
Genome position (GRCh38, 1-based): chr11:108,325,512, T duplicated. VCF-style (leftmost placement, unchanged base first): chr11-108325511-C-CT. GRCh37 (hg19) VCF-style: chr11-108196238-C-CT.
Other names: c.6775dupT (NM_000051.3); c.6775dup, p.Ser2259fs (NM_001351834.2); c.641-16441dup (NM_001330368.2); c.*38+9708dup (NM_001351110.2); short protein forms S2259fs.
Identifiers: ClinVar variation 4618204 (VCV004618204.1).